The following is an entry in ClinVar:

ClinVar aggregate classification (germline): Uncertain significance (1 of 4 stars; one submission).

Allele frequency attached by ClinVar (database versions not stated): gnomAD exomes below 0.00001; TOPMed below 0.00001.
gnomAD v4.1: 2 of 1,614,102 alleles (0.00012%); highest among the groups gnomAD compares: Admixed American, 0.0017%; no homozygotes.

Submission:

Labcorp Genetics (formerly Invitae), Labcorp
Classification: Uncertain significance. Last evaluated: 2021-12-01. Review status: criteria provided, single submitter. Criteria: Invitae Variant Classification Sherloc (09022015). Collection method: clinical testing. Allele origin: germline.
Comment: This sequence change replaces methionine, which is neutral and non-polar, with threonine, which is neutral and polar, at codon 501 of the MIPEP protein (p.Met501Thr). This variant is present in population databases (no rsID available, gnomAD 0.003%). This variant has not been reported in the literature in individuals affected with MIPEP-related conditions. Algorithms developed to predict the effect of missense changes on protein structure and function (SIFT, PolyPhen-2, Align-GVGD) all suggest that this variant is likely to be disruptive. In summary, the available evidence is currently insufficient to determine the role of this variant in disease. Therefore, it has been classified as a Variant of Uncertain Significance.

NM_005932.4(MIPEP):c.1502T>C (p.Met501Thr)

Gene: MIPEP (mitochondrial intermediate peptidase; minus strand). Cytogenetic location: 13q12.12.
Variant type: single nucleotide variant.
Coding change: c.1502T>C on transcript NM_005932.4 (MANE Select); coding-DNA position 1502, T replaced by C.
Protein change: p.Met501Thr; replaces methionine 501 with threonine.
Molecular consequence: missense variant.
Genome position (GRCh38, 1-based): chr13:23,837,593, A>G on the plus strand (T>C on the coding strand, the complement: MIPEP is on the minus strand). VCF-style: chr13-23837593-A-G. GRCh37 (hg19) VCF-style: chr13-24411732-A-G.
Other names: short protein forms M501T.
Identifiers: ClinVar variation 1480190 (VCV001480190.6), dbSNP rs1402211077, ClinGen allele CA387521871.